The following is an entry in ClinVar:

ClinVar aggregate classification (germline): Uncertain significance (1 of 4 stars; one submission).

gnomAD v4.1: 2 of 1,608,344 alleles (0.00012%); highest among the groups gnomAD compares: Non-Finnish European, 0.000085%; no homozygotes.

Submission:

Women's Health and Genetics/Laboratory Corporation of America, LabCorp
Classification: Uncertain significance. Last evaluated: 2025-10-22. Review status: criteria provided, single submitter. Criteria: LabCorp Variant Classification Summary - May 2015. Collection method: clinical testing. Allele origin: germline.
Comment: Variant summary: TNXB c.7814T>A (p.Val2605Glu) results in a non-conservative amino acid change in the encoded protein sequence. Algorithms developed to predict the effect of missense changes on protein structure and function are either unavailable or do not agree on the potential impact of this missense change. The variant allele was found at a frequency of 4.1e-06 in 243572 control chromosomes. The available data on variant occurrences in the general population are insufficient to allow any conclusion about variant significance. To our knowledge, no occurrence of c.7814T>A in individuals affected with TNXB-related conditions and no experimental evidence demonstrating its impact on protein function have been reported. No submitters have cited clinical-significance assessments for this variant to ClinVar. Based on the evidence outlined above, the variant was classified as uncertain significance.

NM_001365276.2(TNXB):c.7814T>A (p.Val2605Glu)

Gene: TNXB (tenascin XB; minus strand). Cytogenetic location: 6p21.33.
Variant type: single nucleotide variant.
Coding change: c.7814T>A on transcript NM_001365276.2 (MANE Select); coding-DNA position 7814, T replaced by A.
Protein change: p.Val2605Glu; replaces valine 2605 with glutamic acid.
Molecular consequence: missense variant.
Genome position (GRCh38, 1-based): chr6:32,058,069, A>T on the plus strand (T>A on the coding strand, the complement: TNXB is on the minus strand). VCF-style: chr6-32058069-A-T. GRCh37 (hg19) VCF-style: chr6-32025846-A-T.
Other names: c.8555T>A, p.Val2852Glu (NM_001428335.1); c.7814T>A, p.Val2605Glu (NM_019105.8); short protein forms V2605E, V2852E.
Identifiers: ClinVar variation 4687118 (VCV004687118.1).